The following is an entry in ClinVar:

NM_024301.5(FKRP):c.706C>G (p.Leu236Val)

Gene: FKRP (fukutin related protein; plus strand). Cytogenetic location: 19q13.32.
Variant type: single nucleotide variant.
Coding change: c.706C>G on transcript NM_024301.5 (MANE Select); coding-DNA position 706, C replaced by G.
Protein change: p.Leu236Val; replaces leucine 236 with valine.
Molecular consequence: missense variant.
Genome position (GRCh38, 1-based): chr19:46,756,156, C>G. VCF-style: chr19-46756156-C-G. GRCh37 (hg19) VCF-style: chr19-47259413-C-G.
Other names: c.706C>G, p.Leu236Val (NM_001039885.3); short protein forms L236V.
Identifiers: ClinVar variation 571235 (VCV000571235.6), dbSNP rs754347622, ClinGen allele CA9532192.

ClinVar aggregate classification (germline): Uncertain significance. Review status: criteria provided, multiple submitters, no conflicts (2 of 4 stars). 3 submissions from 3 submitters: Uncertain significance (2). 1 of the submissions does not count toward it. Last evaluated 2025-09-08.

Conditions:
Muscular dystrophy-dystroglycanopathy (congenital with brain and eye anomalies), type A5. Also called: WALKER-WARBURG SYNDROME OR MUSCLE-EYE-BRAIN DISEASE, FKRP-RELATED; MUSCULAR DYSTROPHY-DYSTROGLYCANOPATHY (CONGENITAL WITH BRAIN AND EYE ANOMALIES), TYPE A, 5. Identifiers: Orphanet 588, Orphanet 899, MedGen C3150413, MONDO:0013157, OMIM 613153.
Muscular dystrophy-dystroglycanopathy (congenital with brain and eye anomalies), type A1 (MDDGA1). Also called: WALKER-WARBURG SYNDROME OR MUSCLE-EYE-BRAIN DISEASE, POMT1-RELATED; Hydrocephalus, agyria and retinal dysplasia; Hard +/- E syndrome; Warburg syndrome; Chemke syndrome; Pagon syndrome. Identifiers: Orphanet 588, Orphanet 899, MedGen C4284790, MONDO:0009364, OMIM 236670.
Muscular dystrophy-dystroglycanopathy type B5 (MDDGB5). Also called: MUSCULAR DYSTROPHY, CONGENITAL, 1C; MUSCULAR DYSTROPHY, CONGENITAL, FKRP-RELATED; MUSCULAR DYSTROPHY-DYSTROGLYCANOPATHY (CONGENITAL WITH OR WITHOUT IMPAIRED INTELLECTUAL DEVELOPMENT), TYPE B, 5. Identifiers: MedGen C1847759, MONDO:0011688, OMIM 606612.
Autosomal recessive limb-girdle muscular dystrophy type 2I. Also called: MUSCULAR DYSTROPHY, LIMB-GIRDLE, TYPE 2I; MUSCULAR DYSTROPHY-DYSTROGLYCANOPATHY (LIMB-GIRDLE), TYPE C, 5; MUSCULAR DYSTROPHY-DYSTROGLYCANOPATHY, LIMB-GIRDLE, FRKP-RELATED. Identifiers: Orphanet 34515, MedGen C1846672, MONDO:0011787, OMIM 607155.
Walker-Warburg congenital muscular dystrophy. Also called: Muscular dystrophy-dystroglycanopathy, type A; Walker-Warburg syndrome. Identifiers: Orphanet 899, MedGen C0265221, MONDO:0000171.

Allele frequency attached by ClinVar (database versions not stated): gnomAD 0.00001; gnomAD exomes 0.00003; ExAC 0.00022.
gnomAD v4.1: 15 of 1,465,828 alleles (0.001%); highest among the groups gnomAD compares: Non-Finnish European, 0.0012%; no homozygotes.

Submissions (3):

Labcorp Genetics (formerly Invitae), Labcorp
Classification: Uncertain significance for Walker-Warburg congenital muscular dystrophy. Last evaluated: 2025-09-08. Review status: criteria provided, single submitter. Criteria: Invitae Variant Classification Sherloc (09022015). Collection method: clinical testing. Allele origin: germline.
Comment: This sequence change replaces leucine, which is neutral and non-polar, with valine, which is neutral and non-polar, at codon 236 of the FKRP protein (p.Leu236Val). This variant is present in population databases (rs754347622, gnomAD 0.007%). This variant has not been reported in the literature in individuals affected with FKRP-related conditions. ClinVar contains an entry for this variant (Variation ID: 571235). Invitae Evidence Modeling of protein sequence and biophysical properties (such as structural, functional, and spatial information, amino acid conservation, physicochemical variation, residue mobility, and thermodynamic stability) indicates that this missense variant is not expected to disrupt FKRP protein function with a negative predictive value of 80%. In summary, the available evidence is currently insufficient to determine the role of this variant in disease. Therefore, it has been classified as a Variant of Uncertain Significance.

Fulgent Genetics
Classification: Uncertain significance for Muscular dystrophy-dystroglycanopathy (congenital with brain and eye anomalies), type A1; Muscular dystrophy-dystroglycanopathy type B5; Autosomal recessive limb-girdle muscular dystrophy type 2I; Muscular dystrophy-dystroglycanopathy (congenital with brain and eye anomalies), type A5. Last evaluated: 2021-07-07. Review status: criteria provided, single submitter. Criteria: ACMG Guidelines, 2015. Collection method: clinical testing. Allele origin: unknown.

Natera, Inc.
Classification: Uncertain significance for Limb-girdle muscular dystrophy type 2I. Last evaluated: 2019-10-28. Review status: no assertion criteria provided. Collection method: clinical testing. Allele origin: germline. Not counted in ClinVar's aggregate classification.